The following is an entry in ClinVar:

NM_003073.5(SMARCB1):c.955C>A (p.Leu319Met)

Gene: SMARCB1 (SWI/SNF related BAF chromatin remodeling complex subunit B1; plus strand). Cytogenetic location: 22q11.23.
Variant type: single nucleotide variant.
Coding change: c.955C>A on transcript NM_003073.5 (MANE Select); coding-DNA position 955, C replaced by A.
Protein change: p.Leu319Met; replaces leucine 319 with methionine.
Molecular consequence: missense variant.
Genome position (GRCh38, 1-based): chr22:23,825,384, C>A. VCF-style: chr22-23825384-C-A. GRCh37 (hg19) VCF-style: chr22-24167571-C-A.
Other names: c.928C>A, p.Leu310Met (NM_001007468.3); c.982C>A, p.Leu328Met (NM_001317946.2); c.1009C>A, p.Leu337Met (NM_001362877.2); short protein forms L319M, L328M, L310M, L337M.
Identifiers: ClinVar variation 3958518 (VCV003958518.1).
Genomic context (GRCh38, chr22:23,825,384, plus strand): 5'-TCGGAGCTGGGGTTGGGCGGGGAGTTTGTCACCACCATCGCATACAGCATCCGGGGACAG[C>A]TGAGCTGGCATCAGAAGACCTACGCCTTCAGGTAGGATCATGCATGAGTCTCTCCCTCCC-3'
Protein context (NP_003064.2, residues 309-329): TTIAYSIRGQ[Leu319Met]SWHQKTYAFS

ClinVar aggregate classification (germline): Uncertain significance (1 of 4 stars; one submission).

Conditions:
Hereditary cancer-predisposing syndrome. Also called: Tumor predisposition; Hereditary neoplastic syndrome; Hereditary Cancer Syndrome; Neoplastic Syndromes, Hereditary. Identifiers: Orphanet 140162, MedGen C0027672, MeSH D009386, MONDO:0015356.

Submission:

Ambry Genetics
Classification: Uncertain significance for Hereditary cancer-predisposing syndrome. Last evaluated: 2025-03-31. Review status: criteria provided, single submitter. Criteria: Ambry Variant Classification Scheme 2023. Collection method: clinical testing. Allele origin: germline.
Comment: The p.L319M variant (also known as c.955C>A), located in coding exon 7 of the SMARCB1 gene, results from a C to A substitution at nucleotide position 955. The leucine at codon 319 is replaced by methionine, an amino acid with highly similar properties. This amino acid position is conserved. In addition, the in silico prediction for this alteration is inconclusive. Based on the available evidence, the clinical significance of this variant remains unclear.